The following is an entry in ClinVar:

ClinVar aggregate classification (germline): Uncertain significance (1 of 4 stars; one submission).

gnomAD v4.1: 12 of 1,612,698 alleles (0.00074%); highest among the groups gnomAD compares: Middle Eastern, 0.016%; no homozygotes.

Submission:

Labcorp Genetics (formerly Invitae), Labcorp
Classification: Uncertain significance. Last evaluated: 2022-04-22. Review status: criteria provided, single submitter. Criteria: Invitae Variant Classification Sherloc (09022015). Collection method: clinical testing. Allele origin: germline.
Comment: This sequence change replaces tyrosine, which is neutral and polar, with cysteine, which is neutral and slightly polar, at codon 422 of the DCHS1 protein (p.Tyr422Cys). The frequency data for this variant in the population databases is considered unreliable, as metrics indicate poor data quality at this position in the gnomAD database. This variant has not been reported in the literature in individuals affected with DCHS1-related conditions. Algorithms developed to predict the effect of missense changes on protein structure and function are either unavailable or do not agree on the potential impact of this missense change (SIFT: "Deleterious"; PolyPhen-2: "Probably Damaging"; Align-GVGD: "Class C0"). In summary, the available evidence is currently insufficient to determine the role of this variant in disease. Therefore, it has been classified as a Variant of Uncertain Significance.

NM_003737.4(DCHS1):c.1265A>G (p.Tyr422Cys)

Gene: DCHS1 (dachsous cadherin-related 1; minus strand). Cytogenetic location: 11p15.4.
Variant type: single nucleotide variant.
Coding change: c.1265A>G on transcript NM_003737.4 (MANE Select); coding-DNA position 1265, A replaced by G.
Protein change: p.Tyr422Cys; replaces tyrosine 422 with cysteine.
Molecular consequence: missense variant.
Genome position (GRCh38, 1-based): chr11:6,640,349, T>C on the plus strand (A>G on the coding strand, the complement: DCHS1 is on the minus strand). VCF-style: chr11-6640349-T-C. GRCh37 (hg19) VCF-style: chr11-6661580-T-C.
Other names: short protein forms Y422C.
Identifiers: ClinVar variation 1898044 (VCV001898044.5), dbSNP rs200893325, ClinGen allele CA379433635.